The following is an entry in ClinVar:

NM_025207.5(FLAD1):c.1090G>T (p.Glu364Ter)

Gene: FLAD1 (flavin adenine dinucleotide synthetase 1; plus strand). Cytogenetic location: 1q21.3.
Variant type: single nucleotide variant.
Coding change: c.1090G>T on transcript NM_025207.5 (MANE Select); coding-DNA position 1090, G replaced by T.
Protein change: p.Glu364Ter; replaces glutamic acid 364 with a stop codon.
Molecular consequence: nonsense.
Genome position (GRCh38, 1-based): chr1:154,988,822, G>T. VCF-style: chr1-154988822-G-T. GRCh37 (hg19) VCF-style: chr1-154961298-G-T.
Other names: c.799G>T, p.Glu267Ter (NM_001184891.2, NM_201398.3); c.793G>T, p.Glu265Ter (NM_001184892.2); c.1090G>T (NM_025207.4); short protein forms E265*, E267*, E364*.
Identifiers: ClinVar variation 3617508 (VCV003617508.3).
Genomic context (GRCh38, chr1:154,988,822, plus strand): 5'-GCCCGTTTGCCCCAGGGATCGCTGGTCCCCTACATGCCCAACGCTGTGGAGCAGGCCAGT[G>T]AGGCTGTATACAAACTCGCTGAATCAGGTAGGGACCTTATGGAGGAGGGGCATTATGCCC-3'

ClinVar aggregate classification (germline): Pathogenic/Likely pathogenic. Review status: criteria provided, multiple submitters, no conflicts (2 of 4 stars). 2 submissions from 2 submitters: Pathogenic (1); Likely pathogenic (1). Last evaluated 2025-10-02.

Conditions:
FLAD1-related disorder. Also called: FLAD1-related condition.

gnomAD v4.1: 13 of 1,614,210 alleles (0.00081%); highest among the groups gnomAD compares: Non-Finnish European, 0.0011%; no homozygotes.

Submissions (2):

Labcorp Genetics (formerly Invitae), Labcorp
Classification: Pathogenic. Last evaluated: 2025-10-02. Review status: criteria provided, single submitter. Criteria: Invitae Variant Classification Sherloc (09022015). Collection method: clinical testing. Allele origin: germline.
Comment: This sequence change creates a premature translational stop signal (p.Glu364*) in the FLAD1 gene. It is expected to result in an absent or disrupted protein product. Loss-of-function variants in FLAD1 are known to be pathogenic (PMID: 27259049). This variant is present in population databases (rs755105484, gnomAD 0.007%). This variant has not been reported in the literature in individuals affected with FLAD1-related conditions. ClinVar contains an entry for this variant (Variation ID: 3617508). For these reasons, this variant has been classified as Pathogenic.

PreventionGenetics, part of Exact Sciences
Classification: Likely pathogenic for FLAD1-related condition. Last evaluated: 2025-03-29. Review status: criteria provided, single submitter. Criteria: ACMG Guidelines, 2015. Collection method: clinical testing. Allele origin: germline.
Comment: The FLAD1 c.1090G>T variant is predicted to result in premature protein termination (p.Glu364*). To our knowledge, this variant has not been reported in the literature. This variant is reported in 0.0070% of alleles in individuals of European (Non-Finnish) descent in gnomAD. Nonsense variants in FLAD1 are expected to be pathogenic. This variant is interpreted as likely pathogenic.

Literature cited by the submitters: PubMed 27259049 (cited by Labcorp Genetics (formerly Invitae), Labcorp).